The following is an entry in ClinVar:

NM_001065.4(TNFRSF1A):c.251G>A (p.Cys84Tyr)

Gene: TNFRSF1A (TNF receptor superfamily member 1A; minus strand). Cytogenetic location: 12p13.31.
Variant type: single nucleotide variant.
Coding change: c.251G>A on transcript NM_001065.4 (MANE Select); coding-DNA position 251, G replaced by A.
Protein change: p.Cys84Tyr; replaces cysteine 84 with tyrosine.
Molecular consequence: missense variant. On other transcripts: 5 prime UTR variant (2), non-coding transcript variant (1).
Genome position (GRCh38, 1-based): chr12:6,333,808, C>T on the plus strand (G>A on the coding strand, the complement: TNFRSF1A is on the minus strand). VCF-style: chr12-6333808-C-T. GRCh37 (hg19) VCF-style: chr12-6442974-C-T.
Other names: c.-74G>A (NM_001346091.2); c.-327G>A (NM_001346092.2); short protein forms C84Y.
Identifiers: ClinVar variation 97673 (VCV000097673.17), dbSNP rs104895224, ClinGen allele CA280778.

ClinVar aggregate classification (germline): Pathogenic. Review status: criteria provided, multiple submitters, no conflicts (2 of 4 stars). 5 submissions from 5 submitters: Pathogenic (4). 1 of the submissions does not count toward it. Last evaluated 2025-09-02.

Conditions:
TNFRSF1A-related disorder. Also called: TNFRSF1A-related condition.
TNF receptor-associated periodic fever syndrome (TRAPS) (FPF). Also called: FAMILIAL HIBERNIAN FEVER; TNF RECEPTOR-ASSOCIATED PERIODIC SYNDROME; TUMOR NECROSIS FACTOR RECEPTOR-ASSOCIATED PERIODIC SYNDROME; TNF Receptor-Associated Periodic Fever Syndrome; Autosomal Dominant Familial Periodic Fever; TNF receptor 1-associated periodic fever syndrome. Identifiers: Orphanet 32960, MedGen C1275126, MONDO:0007727, OMIM 142680.

Allele frequency attached by ClinVar (database versions not stated): gnomAD exomes below 0.00001.
gnomAD v4.1: 1 of 1,592,226 alleles (0.000063%); highest among the groups gnomAD compares: East Asian, 0.0023%; no homozygotes.

Submissions (5):

Labcorp Genetics (formerly Invitae), Labcorp
Classification: Pathogenic for TNF receptor-associated periodic fever syndrome (TRAPS). Last evaluated: 2025-09-02. Review status: criteria provided, single submitter. Criteria: Invitae Variant Classification Sherloc (09022015). Collection method: clinical testing. Allele origin: germline.
Comment: This sequence change replaces cysteine, which is neutral and slightly polar, with tyrosine, which is neutral and polar, at codon 84 of the TNFRSF1A protein (p.Cys84Tyr). This variant is not present in population databases (gnomAD no frequency). This missense change has been observed in individuals with clinical features of tumor necrosis factor receptor-associated periodic fever syndrome (PMID: 16508982, 23965844, 33131906, 38155741; internal data). It has also been observed to segregate with disease in related individuals. This variant is also known as p.Cys55Tyr. ClinVar contains an entry for this variant (Variation ID: 97673). Invitae Evidence Modeling of protein sequence and biophysical properties (such as structural, functional, and spatial information, amino acid conservation, physicochemical variation, residue mobility, and thermodynamic stability) has been performed for this missense variant. However, the output from this modeling did not meet the statistical confidence thresholds required to predict the impact of this variant on TNFRSF1A protein function. Experimental studies have shown that this missense change affects TNFRSF1A function (PMID: 23117241). For these reasons, this variant has been classified as Pathogenic.

Eurofins-Biomnis
Classification: Pathogenic for TNF receptor-associated periodic fever syndrome (TRAPS). Last evaluated: 2022-10-26. Review status: criteria provided, single submitter. Criteria: Accession Criteria ClinVar Biomnis. Collection method: clinical testing. Allele origin: germline. Affected: yes. Observed: 1 heterozygote.

Blueprint Genetics
Classification: Pathogenic for TNFRSF1A-related disorders. Last evaluated: 2021-04-01. Review status: criteria provided, single submitter. Criteria: ACMG Guidelines, 2015. Collection method: clinical testing. Allele origin: germline. Affected: yes. Observed: 1 variant allele.

ARUP Laboratories, Molecular Genetics and Genomics, ARUP Laboratories
Classification: Pathogenic. Last evaluated: 2018-10-16. Review status: criteria provided, single submitter. Criteria: ARUP Molecular Germline Variant Investigation Process. Collection method: clinical testing. Allele origin: germline.
Comment: The TNFRSF1A c.251G>A; p.Cys84Tyr variant (rs104895224), also known as Cys55Tyr or C55Y, has been published in the medical literature in several individuals with high penetrance TRAPS (D'Osulado 2006, Lachmann 2014, Papa 2017, Pelagatti 2011). Additionally, other variants in this codon (p.Cys84Arg, p.Cys84Ser) have been described in individuals with TRAPS (Rudofsky 2006, Jadoul 2001). The c.251G>A; p.Cys84Tyr variant has been described as a validated pathogenic variant by an expert group (see link to database below) and has also been described in the ClinVar database (Variation ID: 97673). The variant is absent from general population databases (1000 Genomes Project, Exome Variant Server, and Genome Aggregation Database), indicating it is not a common polymorphism. The cysteine at codon 84 is highly conserved and computational analyses (SIFT, PolyPhen-2) predict that this variant is deleterious. The cysteine at this position is part of a cysteine-rich domain and is in the ligand-binding domain (Rebelo 2006). Functional analyses show this variant alters phenotype (Bachetti 2013, Pucino 2016). Considering available information, this variant is classified as pathogenic. References: Link to TNFRSF1A Infevers database: Bachetti T et al. Autophagy contributes to inflammation in patients with TNFR-associated periodic syndrome (TRAPS). Ann Rheum Dis. 2013 Jun;72(6):1044-52. D'Osualdo A et al. Neutrophils from patients with TNFRSF1A mutations display resistance to tumor necrosis factor-induced apoptosis: pathogenetic and clinical implications. Arthritis Rheum. 2006 Mar;54(3):998-1008. Jadoul M et al. Autosomal-dominant periodic fever with AA amyloidosis: Novel mutation in tumor necrosis factor receptor 1 gene Rapid Communication. Kidney Int. 2001 May;59(5):1677-82. Lachmann HJ et al. The phenotype of TNF receptor-associated autoinflammatory syndrome (TRAPS) at presentation: a series of 158 cases from the Eurofever/EUROTRAPS international registry. Ann Rheum Dis. 2014;73:2160-2167 Papa R et al. A web-based collection of genotype-phenotype associations in hereditary recurrent fevers from the Eurofever registry. Orphanet J Rare Dis. 2017 Oct 18;12(1):167. Pelagatti MA et al. Long-term clinical profile of children with the low-penetrance R92Q mutation of the TNFRSF1A gene. Arthritis Rheum. 2011 Apr;63(4):1141-50. Pucino V et al. Differential impact of high and low penetrance TNFRSF1A gene mutations on conventional and regulatory CD4+ T cell functions in TNFR1-associated periodic syndrome. J Leukoc Biol. 2016 May;99(5):761-9. Rebelo SL et al. Modeling of tumor necrosis factor receptor superfamily 1A mutants associated with tumor necrosis factor receptor-associated periodic syndrome indicates misfolding consistent with abnormal function. Arthritis Rheum. 2006 Aug;54(8):2674-87. Rudofsky G Jr et al. A nephrotic patient with tumour necrosis factor receptor-associated periodic syndrome, IgA nephropathy and CNS involvement. Nephrol Dial Transplant. 2006 Apr;21(4):1109-12.

Unité médicale des maladies autoinflammatoires, CHRU Montpellier
No classification provided. Condition: TNF receptor-associated periodic fever syndrome (TRAPS). Review status: no classification provided. Collection method: not provided. Allele origin: unknown. Not counted in ClinVar's aggregate classification.

Literature cited by the submitters: PubMed 16508982 (cited by Labcorp Genetics (formerly Invitae), Labcorp); PubMed 23965844 (cited by Labcorp Genetics (formerly Invitae), Labcorp); PubMed 33131906 (cited by Labcorp Genetics (formerly Invitae), Labcorp); PubMed 38155741 (cited by Labcorp Genetics (formerly Invitae), Labcorp); PubMed 23117241 (cited by Labcorp Genetics (formerly Invitae), Labcorp).